The following is an entry in ClinVar:

ClinVar aggregate classification (germline): Conflicting classifications of pathogenicity. Review status: criteria provided, conflicting classifications (1 of 4 stars). 2 submissions from 2 submitters: Likely pathogenic (1); Uncertain significance (1). Last evaluated 2025-12-08.

Conditions:
Inborn genetic diseases. Identifiers: MedGen C0950123, MeSH D030342.

Allele frequency attached by ClinVar (database versions not stated): gnomAD exomes below 0.00001; TOPMed 0.00001.
gnomAD v4.1: 3 of 1,613,568 alleles (0.00019%); highest among the groups gnomAD compares: South Asian, 0.0022%; no homozygotes.

Submissions (2):

Ambry Genetics
Classification: Uncertain significance for Inborn genetic diseases. Last evaluated: 2025-12-08. Review status: criteria provided, single submitter. Criteria: Ambry Variant Classification Scheme 2023. Collection method: clinical testing. Allele origin: germline.
Comment: The c.1156G>A (p.D386N) alteration is located in exon 10 (coding exon 10) of the CRELD1 gene. This alteration results from a G to A substitution at nucleotide position 1156, causing the aspartic acid (D) at amino acid position 386 to be replaced by an asparagine (N). This variant was not reported in population-based cohorts in the Genome Aggregation Database (gnomAD). This variant has been identified in conjunction with other CRELD1 variant(s) in individual(s) with features consistent with CRELD1-related neurodevelopmental disorder; in at least one instance, the variants were identified in trans (Jeffries, 2023). This amino acid position is highly conserved in available vertebrate species. This alteration is predicted to be tolerated by in silico analysis. Based on insufficient or conflicting evidence, the clinical significance of this alteration remains unclear.

GeneDx
Classification: Likely pathogenic. Last evaluated: 2024-10-01. Review status: criteria provided, single submitter. Criteria: GeneDx Variant Classification Process June 2021. Collection method: clinical testing. Allele origin: germline. Affected: yes.
Comment: Not observed at significant frequency in large population cohorts (gnomAD); In silico analysis supports that this missense variant does not alter protein structure/function; This variant is associated with the following publications: (PMID: 37947183)

Literature cited by the submitters: PubMed 37947183 (cited by Ambry Genetics).

NM_001077415.3(CRELD1):c.1156G>A (p.Asp386Asn)

Gene: CRELD1 (CRELD disulfide isomerase 1; plus strand). Cytogenetic location: 3p25.3.
Variant type: single nucleotide variant.
Coding change: c.1156G>A on transcript NM_001077415.3 (MANE Select); coding-DNA position 1156, G replaced by A.
Protein change: p.Asp386Asn; replaces aspartic acid 386 with asparagine.
Molecular consequence: missense variant. On other transcripts: 3 prime UTR variant (3), non-coding transcript variant (3).
Genome position (GRCh38, 1-based): chr3:9,944,472, G>A. VCF-style: chr3-9944472-G-A. GRCh37 (hg19) VCF-style: chr3-9986156-G-A.
Other names: c.*81G>A (NM_001031717.4, NM_001374317.1, NM_001374318.1); c.1156G>A, p.Asp386Asn (NM_001374316.1, NM_015513.6); c.1072G>A, p.Asp358Asn (NM_001374319.1, NM_001374320.1); short protein forms D358N, D386N.
Identifiers: ClinVar variation 1207274 (VCV001207274.6), dbSNP rs1024452431, ClinGen allele CA70010466.